The following is an entry in ClinVar:

NM_002693.3(POLG):c.1102C>A (p.Pro368Thr)

Gene: POLG (DNA polymerase gamma, catalytic subunit; minus strand). Cytogenetic location: 15q26.1.
Variant type: single nucleotide variant.
Coding change: c.1102C>A on transcript NM_002693.3 (MANE Select); coding-DNA position 1102, C replaced by A.
Protein change: p.Pro368Thr; replaces proline 368 with threonine.
Molecular consequence: missense variant.
Genome position (GRCh38, 1-based): chr15:89,328,753, G>T on the plus strand (C>A on the coding strand, the complement: POLG is on the minus strand). VCF-style: chr15-89328753-G-T. GRCh37 (hg19) VCF-style: chr15-89871984-G-T.
Other names: c.1102C>A, p.Pro368Thr (NM_001126131.2); short protein forms P368T.
Identifiers: ClinVar variation 4802421 (VCV004802421.1).
Genomic context (GRCh38, chr15:89,328,753, plus strand): 5'-TCTCACGAATGTCCTTCATGGTGCCCTTCACAAACAGTTCTCGAGGCTCCTTCTCTAAGG[G>T]AGGCCCCCCTACATAAAGTCTGTGCACCTCTGCCAGACTGTTGACACTGCTGATGTCCAG-3'
Protein context (NP_002684.1, residues 358-378): EVHRLYVGGP[Pro368Thr]LEKEPRELFV

ClinVar aggregate classification (germline): Uncertain significance (1 of 4 stars; one submission).

Conditions:
Progressive sclerosing poliodystrophy (MTDPS4A). Also called: ALPERS PROGRESSIVE INFANTILE POLIODYSTROPHY; NEURONAL DEGENERATION OF CHILDHOOD WITH LIVER DISEASE, PROGRESSIVE; Mitochondrial DNA Depletion Syndrome 4A; Alpers Syndrome; ALPERS DIFFUSE DEGENERATION OF CEREBRAL GRAY MATTER WITH HEPATIC CIRRHOSIS; Alpers-Huttenlocher Syndrome. Identifiers: Orphanet 726, MedGen C0205710, MONDO:0008758, OMIM 203700.

Submission:

Labcorp Genetics (formerly Invitae), Labcorp
Classification: Uncertain significance for Progressive sclerosing poliodystrophy. Last evaluated: 2026-02-02. Review status: criteria provided, single submitter. Criteria: Invitae Variant Classification Sherloc (09022015). Collection method: clinical testing. Allele origin: germline.
Comment: This sequence change replaces proline, which is neutral and non-polar, with threonine, which is neutral and polar, at codon 368 of the POLG protein (p.Pro368Thr). This variant is not present in population databases (gnomAD no frequency). This variant has not been reported in the literature in individuals affected with POLG-related conditions. Invitae Evidence Modeling of protein sequence and biophysical properties (such as structural, functional, and spatial information, amino acid conservation, physicochemical variation, residue mobility, and thermodynamic stability) indicates that this missense variant is not expected to disrupt POLG protein function with a negative predictive value of 95%. In summary, the available evidence is currently insufficient to determine the role of this variant in disease. Therefore, it has been classified as a Variant of Uncertain Significance.